The following is an entry in ClinVar:

NM_001370259.2(MEN1):c.1268G>A (p.Trp423Ter)

Gene: MEN1 (menin 1; minus strand). Cytogenetic location: 11q13.1.
Variant type: single nucleotide variant.
Coding change: c.1268G>A on transcript NM_001370259.2 (MANE Select); coding-DNA position 1268, G replaced by A.
Protein change: p.Trp423Ter; replaces tryptophan 423 with a stop codon.
Molecular consequence: nonsense.
Genome position (GRCh38, 1-based): chr11:64,805,116, C>T on the plus strand (G>A on the coding strand, the complement: MEN1 is on the minus strand). VCF-style: chr11-64805116-C-T. GRCh37 (hg19) VCF-style: chr11-64572588-C-T.
Other names: c.1283G>A, p.Trp428Ter (NM_000244.4, NM_130800.3, NM_130801.3 and 4 more transcripts); c.1394G>A, p.Trp465Ter (NM_001370251.2, NM_001407142.1, NM_001407143.1 and 1 more transcripts); c.1268G>A, p.Trp423Ter (NM_001370260.2, NM_001370261.2, NM_001407146.1 and 2 more transcripts); c.1163G>A, p.Trp388Ter (NM_001370262.2, NM_001370263.2, NM_001407148.1 and 1 more transcripts); c.1409G>A, p.Trp470Ter (NM_001407150.1); c.1289G>A, p.Trp430Ter (NM_001407151.1); short protein forms W388*, W423*, W428*, W430*, W465*, W470*.
Identifiers: ClinVar variation 1809586 (VCV001809586.7), dbSNP rs2136101497, ClinGen allele CA381180419.

ClinVar aggregate classification (germline): Pathogenic. Review status: criteria provided, multiple submitters, no conflicts (2 of 4 stars). 3 submissions from 3 submitters: Pathogenic (3). Last evaluated 2025-07-09.

Conditions:
Hereditary cancer-predisposing syndrome. Also called: Tumor predisposition; Neoplastic Syndromes, Hereditary; Hereditary neoplastic syndrome; Hereditary Cancer Syndrome. Identifiers: Orphanet 140162, MedGen C0027672, MeSH D009386, MONDO:0015356.
Multiple endocrine neoplasia, type 1 (MEN1). Also called: MEN I; WERMER SYNDROME; Endocrine adenomatosis multiple; MEN 1; MEA I. Identifiers: Orphanet 652, MedGen C0025267, MeSH D018761, MONDO:0007540, OMIM 131100.

Submissions (3):

Labcorp Genetics (formerly Invitae), Labcorp
Classification: Pathogenic for Multiple endocrine neoplasia, type 1. Last evaluated: 2025-07-09. Review status: criteria provided, single submitter. Criteria: Invitae Variant Classification Sherloc (09022015). Collection method: clinical testing. Allele origin: germline.
Comment: This sequence change creates a premature translational stop signal (p.Trp423*) in the MEN1 gene. It is expected to result in an absent or disrupted protein product. Loss-of-function variants in MEN1 are known to be pathogenic (PMID: 12112656, 17853334). This variant is not present in population databases (gnomAD no frequency). This premature translational stop signal has been observed in individual(s) with multiple endocrine neoplasia type 1 (PMID: 10993647, 30324798). ClinVar contains an entry for this variant (Variation ID: 1809586). For these reasons, this variant has been classified as Pathogenic.

Ambry Genetics
Classification: Pathogenic for Hereditary cancer-predisposing syndrome. Last evaluated: 2024-04-04. Review status: criteria provided, single submitter. Criteria: Ambry Variant Classification Scheme 2023. Collection method: clinical testing. Allele origin: germline.
Comment: The p.W423* pathogenic mutation (also known as c.1268G>A), located in coding exon 8 of the MEN1 gene, results from a G to A substitution at nucleotide position 1268. This changes the amino acid from a tryptophan to a stop codon within coding exon 8. This variant has been observed in multiple individuals with a personal and/or family history that is consistent with Multiple endocrine neoplasia type 1 (Bergman L et al. Br J Cancer, 2000 Oct;83:1009-14; Hu WM et al. Horm Metab Res, 2020 Nov;52:788-795; Ambry internal data). In addition to the clinical data presented in the literature, this alteration is expected to result in loss of function by premature protein truncation or nonsense-mediated mRNA decay. As such, this alteration is interpreted as a disease-causing mutation.

Quest Diagnostics Nichols Institute San Juan Capistrano
Classification: Pathogenic. Last evaluated: 2021-08-19. Review status: criteria provided, single submitter. Criteria: Quest Diagnostics criteria. Collection method: clinical testing. Allele origin: unknown.
Comment: This variant disrupts a canonical splice-acceptor site and interferes with normal MEN1 mRNA splicing. The variant has not been reported in individuals with MEN1-related diseases in the published literature. It also has not been reported in large, multi-ethnic general populations. Based on the available information, this variant is classified as pathogenic.

Literature cited by the submitters: PubMed 12112656 (cited by Labcorp Genetics (formerly Invitae), Labcorp); PubMed 17853334 (cited by Labcorp Genetics (formerly Invitae), Labcorp); PubMed 10993647 (cited by 3 submitters); PubMed 30324798 (cited by Labcorp Genetics (formerly Invitae), Labcorp and Quest Diagnostics Nichols Institute San Juan Capistrano); PubMed 32299109 (cited by Ambry Genetics and Quest Diagnostics Nichols Institute San Juan Capistrano); PubMed 25525159 (cited by Quest Diagnostics Nichols Institute San Juan Capistrano); PubMed 16563611 (cited by Quest Diagnostics Nichols Institute San Juan Capistrano); PubMed 16484744 (cited by Quest Diagnostics Nichols Institute San Juan Capistrano); PubMed 15635078 (cited by Quest Diagnostics Nichols Institute San Juan Capistrano); PubMed 15670192 (cited by Quest Diagnostics Nichols Institute San Juan Capistrano); PubMed 16594911 (cited by Quest Diagnostics Nichols Institute San Juan Capistrano); PubMed 17065424 (cited by Quest Diagnostics Nichols Institute San Juan Capistrano).